The following is an entry in ClinVar:

NM_014049.5(ACAD9):c.1337G>A (p.Arg446His)

Gene: ACAD9 (acyl-CoA dehydrogenase family member 9; plus strand). Cytogenetic location: 3q21.3.
Variant type: single nucleotide variant.
Coding change: c.1337G>A on transcript NM_014049.5 (MANE Select); coding-DNA position 1337, G replaced by A.
Protein change: p.Arg446His; replaces arginine 446 with histidine.
Molecular consequence: missense variant. On other transcripts: non-coding transcript variant (1).
Genome position (GRCh38, 1-based): chr3:128,908,243, G>A. VCF-style: chr3-128908243-G-A. GRCh37 (hg19) VCF-style: chr3-128627086-G-A.
Other names: short protein forms R446H.
Identifiers: ClinVar variation 1698370 (VCV001698370.3), dbSNP rs745926616, ClinGen allele CA2601507.

ClinVar aggregate classification (germline): Uncertain significance. Review status: criteria provided, multiple submitters, no conflicts (2 of 4 stars). 2 submissions from 2 submitters: Uncertain significance (2). Last evaluated 2022-07-21.

Allele frequency attached by ClinVar (database versions not stated): gnomAD 0.00003 and 0.00004; TOPMed 0.00003; ExAC 0.00007.
gnomAD v4.1: 64 of 1,614,120 alleles (0.004%); highest among the groups gnomAD compares: Middle Eastern, 0.082%; no homozygotes.

Submissions (2):

GeneDx
Classification: Uncertain significance. Last evaluated: 2022-07-21. Review status: criteria provided, single submitter. Criteria: GeneDx Variant Classification Process June 2021. Collection method: clinical testing. Allele origin: germline. Affected: yes.
Comment: In silico analysis supports that this missense variant does not alter protein structure/function; Has not been previously published as pathogenic or benign to our knowledge

Labcorp Genetics (formerly Invitae), Labcorp
Classification: Uncertain significance. Last evaluated: 2022-04-28. Review status: criteria provided, single submitter. Criteria: Invitae Variant Classification Sherloc (09022015). Collection method: clinical testing. Allele origin: germline.
Comment: This sequence change replaces arginine, which is basic and polar, with histidine, which is basic and polar, at codon 446 of the ACAD9 protein (p.Arg446His). This variant is present in population databases (rs745926616, gnomAD 0.02%). This variant has not been reported in the literature in individuals affected with ACAD9-related conditions. Advanced modeling of protein sequence and biophysical properties (such as structural, functional, and spatial information, amino acid conservation, physicochemical variation, residue mobility, and thermodynamic stability) performed at Invitae indicates that this missense variant is not expected to disrupt ACAD9 protein function. In summary, the available evidence is currently insufficient to determine the role of this variant in disease. Therefore, it has been classified as a Variant of Uncertain Significance.